The following is an entry in ClinVar:

NM_000342.4(SLC4A1):c.2704del (p.Asp902fs)

Gene: SLC4A1 (solute carrier family 4 member 1 (Diego blood group); minus strand). Cytogenetic location: 17q21.31.
Variant type: Deletion.
Coding change: c.2704del on transcript NM_000342.4 (MANE Select); coding-DNA position 2704, one base deleted (G; older notation c.2704delG).
Protein change: p.Asp902fs; shifts the reading frame from aspartic acid 902.
Molecular consequence: frameshift variant.
Genome position (GRCh38, 1-based): chr17:44,250,490, C deleted on the plus strand (G on the coding strand, the reverse complement: SLC4A1 is on the minus strand); the first of 3 consecutive C bases (chr17:44,250,490-44,250,492); deleting any one gives the same sequence. VCF-style (leftmost placement, unchanged base first): chr17-44250489-TC-T. GRCh37 (hg19) VCF-style: chr17-42327857-TC-T.
Other names: short protein forms D902fs.
Identifiers: ClinVar variation 3660827 (VCV003660827.2).

ClinVar aggregate classification (germline): Uncertain significance (1 of 4 stars; one submission).

Submission:

Labcorp Genetics (formerly Invitae), Labcorp
Classification: Uncertain significance. Last evaluated: 2024-07-30. Review status: criteria provided, single submitter. Criteria: Invitae Variant Classification Sherloc (09022015). Collection method: clinical testing. Allele origin: germline.
Comment: This sequence change results in a frameshift in the SLC4A1 gene (p.Asp902Metfs*126). While this is not anticipated to result in nonsense mediated decay, it is expected to disrupt the last 10 amino acid(s) of the SLC4A1 protein and extend the protein by 115 additional amino acid residues. This variant is not present in population databases (gnomAD no frequency). This variant has not been reported in the literature in individuals affected with SLC4A1-related conditions. In summary, the available evidence is currently insufficient to determine the role of this variant in disease. Therefore, it has been classified as a Variant of Uncertain Significance.